The following continues an entry in ClinVar:

NM_020975.6(RET):c.2372A>T (p.Tyr791Phe)

Gene: RET. ClinVar aggregate classification (germline): Conflicting classifications of pathogenicity. Pathogenic (1); Benign (8); Likely benign (15).

Submissions 17 to 31 of 31:

Clinical Cancer Genetics and Family Consultants, Athens Medical Center
Classification: Pathogenic for Familial cancer of breast. Last evaluated: 2018-05-16. Review status: criteria provided, single submitter. Criteria: ACMG Guidelines, 2015. Collection method: clinical testing. Allele origin: inherited. Inheritance: Autosomal dominant inheritance. Affected: yes. Observed: 2 variant alleles, 2 heterozygotes. Clinical features observed: HEREDITARY BREAST CANCER.
Comment: This is a rare variant with ExAC frequency 0.00180. This mutation is observed for the first time in Greek population. In-silico data indicate this variant to be damaging. It has been showed to be pathogenic in RET-Famillial Medullary Thyroid Carcinoma, PMID: 15753368. We consider this variant to be pathogenic for inherited breast cancer.

Eurofins Ntd Llc (ga)
Classification: Likely benign. Last evaluated: 2018-05-16. Review status: criteria provided, single submitter. Criteria: EGL ClinVar v180209 classification definitions. Collection method: clinical testing. Allele origin: germline. Observed: 6 variant alleles, 6 heterozygotes.

GeneDx
Classification: Benign. Last evaluated: 2017-09-15. Review status: criteria provided, single submitter. Criteria: GeneDx Variant Classification (06012015). Collection method: clinical testing. Allele origin: germline. Affected: yes.
Comment: This variant is considered likely benign or benign based on one or more of the following criteria: it is a conservative change, it occurs at a poorly conserved position in the protein, it is predicted to be benign by multiple in silico algorithms, and/or has population frequency not consistent with disease.

Illumina Laboratory Services, Illumina
Classification: Likely benign for Pheochromocytoma. Last evaluated: 2017-04-27. Review status: criteria provided, single submitter. Criteria: ICSL Variant Classification Criteria 13 December 2019. Collection method: clinical testing. Allele origin: germline.
Comment: This variant was observed as part of a predisposition screen in an ostensibly healthy population. A literature search was performed for the gene, cDNA change, and amino acid change (where applicable). No publications were found based on this search. Allele frequency data from public databases allowed determination this variant is unlikely to cause disease. Therefore, this variant is classified as likely benign.

Illumina Laboratory Services, Illumina
Classification: Likely benign for Renal hypodysplasia/aplasia 1. Last evaluated: 2017-04-27. Review status: criteria provided, single submitter. Criteria: ICSL Variant Classification Criteria 13 December 2019. Collection method: clinical testing. Allele origin: germline.
Comment: the same text as in the submission from Illumina Laboratory Services, Illumina above.

Illumina Laboratory Services, Illumina
Classification: Likely benign for Hirschsprung disease, susceptibility to, 1. Last evaluated: 2017-04-27. Review status: criteria provided, single submitter. Criteria: ICSL Variant Classification Criteria 13 December 2019. Collection method: clinical testing. Allele origin: germline.
Comment: This variant was observed as part of a predisposition screen in an ostensibly healthy population. A literature search was performed for the gene, cDNA change, and amino acid change (where applicable). Publications were found based on this search. The evidence from the literature, in combination with allele frequency data from public databases where available, was sufficient to determine this variant is unlikely to cause disease. Therefore, this variant is classified as likely benign.

Illumina Laboratory Services, Illumina
Classification: Likely benign for Multiple endocrine neoplasia. Last evaluated: 2017-04-27. Review status: criteria provided, single submitter. Criteria: ICSL Variant Classification Criteria 13 December 2019. Collection method: clinical testing. Allele origin: germline.
Comment: the same text as in the submission from Illumina Laboratory Services, Illumina above.

PreventionGenetics, part of Exact Sciences
Classification: Likely benign. Review status: criteria provided, single submitter. Criteria: ACMG Guidelines, 2015. Collection method: clinical testing. Allele origin: germline.

Counsyl
Classification: Likely benign for Multiple endocrine neoplasia type 2A. Last evaluated: 2017-05-15. Review status: no assertion criteria provided. Collection method: clinical testing. Allele origin: unknown. Not counted in ClinVar's aggregate classification.

CSER _CC_NCGL, University of Washington
Classification: Likely benign for Hirschsprung disease. Last evaluated: 2014-06-01. Review status: no assertion criteria provided. Collection method: research. Allele origin: germline. Inheritance: Autosomal dominant inheritance. Study: ESP 6500 variant annotation. Not counted in ClinVar's aggregate classification.
Comment: Variants classified for the Actionable exomic incidental findings in 6503 participants: challenges of variant classification manuscript

Biesecker Lab/Clinical Genomics Section, National Institutes of Health
Classification: Benign. Last evaluated: 2012-07-13. Review status: no assertion criteria provided. Collection method: research. Allele origin: germline. Affected: no. Observed: 8 variant alleles. Study: ClinSeq. Not counted in ClinVar's aggregate classification.
ClinVar note: Converted during submission from no known pathogenicity to Benign.

OMIM
Classification: Uncertain significance for RECLASSIFIED - VARIANT OF UNKNOWN SIGNIFICANCE. Last evaluated: 2005-11-01. Review status: no assertion criteria provided. Collection method: literature only. Allele origin: germline. Not counted in ClinVar's aggregate classification.

Equipe Genetique des Anomalies du Developpement, Université de Bourgogne
Classification: Uncertain significance for Multiple endocrine neoplasia type 2B. Last evaluated: 2018-11-21. Review status: flagged submission. Criteria: ACMG Guidelines, 2015. Collection method: clinical testing. Allele origin: unknown. Not counted in ClinVar's aggregate classification.
ClinVar note: Reason: Outlier claim with insufficient supporting evidence

Human Genomics Unit, Institute for molecular medicine Finland (FIMM)
Classification: Likely pathogenic for Hirschsprung disease. Last evaluated: 2013-01-01. Review status: flagged submission. Collection method: research. Allele origin: unknown. Affected: yes. Observed: 3 variant alleles. Not counted in ClinVar's aggregate classification.
ClinVar note: Reason: Older claim that does not account for recent evidence

Clinical Molecular Genetics Laboratory, Johns Hopkins All Children's Hospital
Classification: Pathogenic for Hirschsprung disease. Last evaluated: 2006-08-28. Review status: flagged submission. Collection method: clinical testing. Allele origin: germline. Affected: yes. Not counted in ClinVar's aggregate classification.
ClinVar note: Reason: Older claim that does not account for recent evidence

Literature cited by the submitters: PubMed 9090527 (cited by 4 submitters); PubMed 9506724 (cited by 4 submitters); PubMed 12000816 (cited by 5 submitters); PubMed 17483988 (cited by Women's Health and Genetics/Laboratory Corporation of America, LabCorp); PubMed 17610518 (cited by Women's Health and Genetics/Laboratory Corporation of America, LabCorp and Illumina Laboratory Services, Illumina); PubMed 19906784 (cited by 5 submitters); PubMed 15870131 (cited by 3 submitters); PubMed 21810974 (cited by Women's Health and Genetics/Laboratory Corporation of America, LabCorp and Counsyl); PubMed 25637381 (cited by Women's Health and Genetics/Laboratory Corporation of America, LabCorp and Counsyl); PubMed 27153395 (cited by Women's Health and Genetics/Laboratory Corporation of America, LabCorp); PubMed 31510104 (cited by Women's Health and Genetics/Laboratory Corporation of America, LabCorp); PubMed 25425582 (cited by 4 submitters); PubMed 23723040 (cited by Women's Health and Genetics/Laboratory Corporation of America, LabCorp and Illumina Laboratory Services, Illumina); PubMed 12566528 (cited by Laboratory for Molecular Medicine, Mass General Brigham Personalized Medicine); PubMed 17021738 (cited by Illumina Laboratory Services, Illumina); PubMed 19826964 (cited by Illumina Laboratory Services, Illumina); PubMed 20080836 (cited by Illumina Laboratory Services, Illumina); PubMed 16705552 (cited by Illumina Laboratory Services, Illumina); PubMed 16118333 (cited by 3 submitters); PubMed 21311890 (cited by Illumina Laboratory Services, Illumina); PubMed 15531714 (cited by Illumina Laboratory Services, Illumina); PubMed 22584710 (cited by Illumina Laboratory Services, Illumina); PubMed 24375508 (cited by Counsyl); PubMed 30644554 (cited by OMIM); Hamosh, A. Personal Communication. 2024. Baltimore, Md. (cited by OMIM).